The following is an entry in ClinVar:

ClinVar aggregate classification (germline): Uncertain significance (1 of 4 stars; one submission).

Allele frequency attached by ClinVar (database versions not stated): gnomAD exomes below 0.00001.
gnomAD v4.1: 1 of 1,413,166 alleles (0.000071%); highest among the groups gnomAD compares: Non-Finnish European, 0.000094%; no homozygotes.

Submission:

Labcorp Genetics (formerly Invitae), Labcorp
Classification: Uncertain significance. Last evaluated: 2021-12-24. Review status: criteria provided, single submitter. Criteria: Invitae Variant Classification Sherloc (09022015). Collection method: clinical testing. Allele origin: germline.
Comment: This sequence change creates a premature translational stop signal (p.Leu298*) in the SAMD11 gene. It is expected to result in an absent or disrupted protein product. However, the current clinical and genetic evidence is not sufficient to establish whether loss-of-function variants in SAMD11 cause disease. This variant is not present in population databases (gnomAD no frequency). This variant has not been reported in the literature in individuals affected with SAMD11-related conditions. Algorithms developed to predict the effect of sequence changes on RNA splicing suggest that this variant may create or strengthen a splice site. In summary, the available evidence is currently insufficient to determine the role of this variant in disease. Therefore, it has been classified as a Variant of Uncertain Significance.

NM_001385641.1(SAMD11):c.1382T>A (p.Leu461Ter)

Gene: SAMD11 (sterile alpha motif domain containing 11; plus strand). Cytogenetic location: 1p36.33.
Variant type: single nucleotide variant.
Coding change: c.1382T>A on transcript NM_001385641.1 (MANE Select); coding-DNA position 1382, T replaced by A.
Protein change: p.Leu461Ter; replaces leucine 461 with a stop codon.
Molecular consequence: nonsense.
Genome position (GRCh38, 1-based): chr1:942,159, T>A. VCF-style: chr1-942159-T-A. GRCh37 (hg19) VCF-style: chr1-877539-T-A.
Other names: c.1385T>A, p.Leu462Ter (NM_001385640.1); c.893T>A, p.Leu298Ter (NM_152486.4); short protein forms L298*, L462*, L461*.
Identifiers: ClinVar variation 1918379 (VCV001918379.5), dbSNP rs2522706673, ClinGen allele CA337806258.